The following is an entry in ClinVar:

ClinVar aggregate classification (germline): Uncertain significance (1 of 4 stars; one submission).

gnomAD v4.1: 2 of 1,614,196 alleles (0.00012%); highest among the groups gnomAD compares: Non-Finnish European, 0.00017%; no homozygotes.

Submission:

GeneDx
Classification: Uncertain significance. Last evaluated: 2023-10-18. Review status: criteria provided, single submitter. Criteria: GeneDx Variant Classification Process June 2021. Collection method: clinical testing. Allele origin: germline. Affected: yes.
Comment: Not observed at significant frequency in large population cohorts (gnomAD); In silico analysis supports that this missense variant does not alter protein structure/function; Has not been previously published as pathogenic or benign to our knowledge

NM_001348800.3(ZBTB20):c.1357G>A (p.Asp453Asn)

Gene: ZBTB20 (zinc finger and BTB domain containing 20; minus strand). Cytogenetic location: 3q13.31.
Variant type: single nucleotide variant.
Coding change: c.1357G>A on transcript NM_001348800.3 (MANE Select); coding-DNA position 1357, G replaced by A.
Protein change: p.Asp453Asn; replaces aspartic acid 453 with asparagine.
Molecular consequence: missense variant.
Genome position (GRCh38, 1-based): chr3:114,350,721, C>T on the plus strand (G>A on the coding strand, the complement: ZBTB20 is on the minus strand). VCF-style: chr3-114350721-C-T. GRCh37 (hg19) VCF-style: chr3-114069568-C-T.
Other names: c.1357G>A, p.Asp453Asn (NM_001164342.2, NM_001348803.3, NM_001393393.1 and 1 more transcripts); c.1138G>A, p.Asp380Asn (NM_001164343.2, NM_001164344.4, NM_001164345.4 and 9 more transcripts); short protein forms D380N, D453N.
Identifiers: ClinVar variation 3366133 (VCV003366133.1).